The following is an entry in ClinVar:

NM_006196.4(PCBP1):c.77dup (p.Ser27fs)

Genes: PCBP1 (poly(rC) binding protein 1; plus strand), PCBP1-AS1 (PCBP1 antisense RNA 1; minus strand). Cytogenetic location: 2p13.3.
Variant type: Duplication.
Coding change: c.77dup on transcript NM_006196.4 (MANE Select); coding-DNA position 77, one base duplicated (G; older notation c.77dupG).
Protein change: p.Ser27fs; shifts the reading frame from serine 27.
Molecular consequence: frameshift variant. On other transcripts: non-coding transcript variant (5).
Genome position (GRCh38, 1-based): chr2:70,087,820, G duplicated; the last of 2 consecutive G bases (chr2:70,087,819-70,087,820); duplicating either gives the same sequence. VCF-style (leftmost placement, unchanged base first): chr2-70087818-A-AG. GRCh37 (hg19) VCF-style: chr2-70314950-A-AG.
Other names: short protein forms S27fs.
Identifiers: ClinVar variation 5016764 (VCV005016764.1).

ClinVar aggregate classification (germline): Uncertain significance (1 of 4 stars; one submission).

Submission:

GeneDx
Classification: Uncertain significance. Last evaluated: 2022-02-03. Review status: criteria provided, single submitter. Criteria: GeneDx Variant Classification Process June 2021. Collection method: clinical testing. Allele origin: germline.
Comment: Frameshift variant predicted to result in protein truncation as the last 330 amino acids are replaced with 10 different amino acids, although loss-of-function variants have not been reported downstream of this position in the protein; Has not been previously published as pathogenic or benign to our knowledge; Variants in candidate genes are classified as variants of uncertain significance in accordance with ACMG guidelines (Richards et al., 2015)